The following is an entry in ClinVar:

ClinVar aggregate classification (germline): Uncertain significance. Review status: criteria provided, multiple submitters, no conflicts (2 of 4 stars). 4 submissions from 4 submitters: Uncertain significance (4). Last evaluated 2026-08-10.

Conditions:
Malignant hyperthermia, susceptibility to, 1 (MHS1). Also called: Malignant hyperthermia suceptibility 1; Anesthesia related hyperthermia; Malignant hyperpyrexia; Fulminating hyperpyrexia; Pharmacogenic myopathy; RYR1-Related Malignant Hyperthermia Susceptibility. Identifiers: Orphanet 423, MedGen C2930980, MONDO:0007783, OMIM 145600.
Inborn genetic diseases. Identifiers: MedGen C0950123, MeSH D030342.
RYR1-related disorder. Also called: RYR1-related disorders; RYR1-related condition. Identifiers: MedGen CN239331.

Allele frequency attached by ClinVar (database versions not stated): gnomAD exomes below 0.00001; TOPMed below 0.00001.
gnomAD v4.1: 1 of 1,613,886 alleles (0.000062%); highest among the groups gnomAD compares: Admixed American, 0.0017%; no homozygotes.

Submissions (4):

GeneDx
Classification: Uncertain significance. Last evaluated: 2026-08-10. Review status: criteria provided, single submitter. Criteria: GeneDx Variant Classification Process June 2021. Collection method: clinical testing. Allele origin: germline.
Comment: Not observed at significant frequency in large population cohorts (gnomAD); In silico analysis suggests that this missense variant does not alter protein structure/function; Has not been previously published as pathogenic or benign to our knowledge

Ambry Genetics
Classification: Uncertain significance for Inborn genetic diseases. Last evaluated: 2026-03-10. Review status: criteria provided, single submitter. Criteria: Ambry Variant Classification Scheme 2023. Collection method: clinical testing. Allele origin: germline.

Labcorp Genetics (formerly Invitae), Labcorp
Classification: Uncertain significance for RYR1-related disorder. Last evaluated: 2025-07-31. Review status: criteria provided, single submitter. Criteria: Invitae Variant Classification Sherloc (09022015). Collection method: clinical testing. Allele origin: germline.
Comment: This sequence change replaces glycine, which is neutral and non-polar, with glutamic acid, which is acidic and polar, at codon 3561 of the RYR1 protein (p.Gly3561Glu). This variant is present in population databases (no rsID available, gnomAD 0.003%). This variant has not been reported in the literature in individuals affected with RYR1-related conditions. ClinVar contains an entry for this variant (Variation ID: 2415924). Invitae Evidence Modeling of protein sequence and biophysical properties (such as structural, functional, and spatial information, amino acid conservation, physicochemical variation, residue mobility, and thermodynamic stability) indicates that this missense variant is not expected to disrupt RYR1 protein function with a negative predictive value of 80%. In summary, the available evidence is currently insufficient to determine the role of this variant in disease. Therefore, it has been classified as a Variant of Uncertain Significance.

Color Diagnostics, LLC DBA Color Health
Classification: Uncertain significance for Malignant hyperthermia, susceptibility to, 1. Last evaluated: 2025-07-07. Review status: criteria provided, single submitter. Criteria: ACMG Guidelines, 2015. Collection method: clinical testing. Allele origin: germline.
Comment: This missense variant replaces glycine with glutamic acid at codon 3561 of the RYR1 protein. Computational prediction is inconclusive regarding the impact of this variant on protein structure and function. To our knowledge, functional studies have not been reported for this variant. This variant has not been reported in individuals affected with RYR1-related disorders in the literature. This variant has been identified in 1/251410 chromosomes in the general population by the Genome Aggregation Database (gnomAD). The available evidence is insufficient to determine the role of this variant in disease conclusively. Therefore, this variant is classified as a Variant of Uncertain Significance.

NM_000540.3(RYR1):c.10682G>A (p.Gly3561Glu)

Gene: RYR1 (ryanodine receptor 1; plus strand). Cytogenetic location: 19q13.2.
Variant type: single nucleotide variant.
Coding change: c.10682G>A on transcript NM_000540.3 (MANE Select); coding-DNA position 10682, G replaced by A.
Protein change: p.Gly3561Glu; replaces glycine 3561 with glutamic acid.
Molecular consequence: missense variant.
Genome position (GRCh38, 1-based): chr19:38,527,048, G>A. VCF-style: chr19-38527048-G-A. GRCh37 (hg19) VCF-style: chr19-39017688-G-A.
Other names: c.10667G>A, p.Gly3556Glu (NM_001042723.2); short protein forms G3556E, G3561E.
Identifiers: ClinVar variation 2415924 (VCV002415924.7), dbSNP rs1262502656, ClinGen allele CA405646168.
Genomic context (GRCh38, chr19:38,527,048, plus strand): 5'-CCCAGAAAGACACAGATGAGGAGGTCCGGGAATTTCTGCACAACAACCTTCACCTTCAGG[G>A]AAAGGTATGCCTCCTTCCTCTGCAAGCAAAAGAAGCAAGTCAGAAAGTAACCACAATATT-3'
Protein context (NP_000531.2, residues 3551-3571): EFLHNNLHLQ[Gly3561Glu]KVEGSPSLRW